The following is an entry in ClinVar:

NM_000179.3(MSH6):c.2108T>C (p.Met703Thr)

Gene: MSH6 (mutS homolog 6; plus strand). Cytogenetic location: 2p16.3.
Variant type: single nucleotide variant.
Coding change: c.2108T>C on transcript NM_000179.3 (MANE Select); coding-DNA position 2108, T replaced by C.
Protein change: p.Met703Thr; replaces methionine 703 with threonine.
Molecular consequence: missense variant.
Genome position (GRCh38, 1-based): chr2:47,800,091, T>C. VCF-style: chr2-47800091-T-C. GRCh37 (hg19) VCF-style: chr2-48027230-T-C.
Other names: c.1718T>C, p.Met573Thr (NM_001281492.2); c.1202T>C, p.Met401Thr (NM_001281493.2, NM_001281494.2); short protein forms M703T, M401T, M573T.
Identifiers: ClinVar variation 418326 (VCV000418326.22), dbSNP rs1064793189, ClinGen allele CA16617666.
Genomic context (GRCh38, chr2:47,800,091, plus strand): 5'-CTCTAGGTGGTTGTGTCTTCTACCTCAAAAAATGCCTTATTGATCAGGAGCTTTTATCAA[T>C]GGCTAATTTTGAAGAATATATTCCCTTGGATTCTGACACAGTCAGCACTACAAGATCTGG-3'
Protein context (NP_000170.1, residues 693-713): KCLIDQELLS[Met703Thr]ANFEEYIPLD

ClinVar aggregate classification (germline): Uncertain significance. Review status: criteria provided, multiple submitters, no conflicts (2 of 4 stars). 6 submissions from 6 submitters: Uncertain significance (4). 2 of the submissions do not count toward it. Last evaluated 2025-07-25.

Conditions:
MSH6-related disorder. Also called: MSH6-related condition; MSH6-Related disorders.
Hereditary nonpolyposis colorectal neoplasms. Identifiers: MedGen C0009405, MeSH D003123.
Hereditary cancer-predisposing syndrome. Also called: Hereditary neoplastic syndrome; Hereditary Cancer Syndrome; Tumor predisposition; Neoplastic Syndromes, Hereditary. Identifiers: Orphanet 140162, MedGen C0027672, MeSH D009386, MONDO:0015356.
Carcinoma of colon (CRC). Also called: Colon carcinoma; Colonic carcinoma. Identifiers: MedGen C0699790, MONDO:0002032.

Allele frequency attached by ClinVar (database versions not stated): gnomAD exomes below 0.00001.
gnomAD v4.1: 3 of 1,614,206 alleles (0.00019%); highest among the groups gnomAD compares: Non-Finnish European, 0.00025%; no homozygotes.

Submissions (6):

Ambry Genetics
Classification: Uncertain significance for Hereditary cancer-predisposing syndrome. Last evaluated: 2025-07-25. Review status: criteria provided, single submitter. Criteria: Ambry Variant Classification Scheme 2023. Collection method: clinical testing. Allele origin: germline.
Comment: The p.M703T variant (also known as c.2108T>C), located in coding exon 4 of the MSH6 gene, results from a T to C substitution at nucleotide position 2108. The methionine at codon 703 is replaced by threonine, an amino acid with similar properties. This amino acid position is well conserved in available vertebrate species. In addition, this alteration is predicted to be deleterious by in silico analysis. Since supporting evidence is limited at this time, the clinical significance of this alteration remains unclear.

Labcorp Genetics (formerly Invitae), Labcorp
Classification: Uncertain significance for Hereditary nonpolyposis colorectal neoplasms. Last evaluated: 2024-11-03. Review status: criteria provided, single submitter. Criteria: Invitae Variant Classification Sherloc (09022015). Collection method: clinical testing. Allele origin: germline.
Comment: This sequence change replaces methionine, which is neutral and non-polar, with threonine, which is neutral and polar, at codon 703 of the MSH6 protein (p.Met703Thr). This variant is not present in population databases (gnomAD no frequency). This variant has not been reported in the literature in individuals affected with MSH6-related conditions. ClinVar contains an entry for this variant (Variation ID: 418326). Invitae Evidence Modeling of protein sequence and biophysical properties (such as structural, functional, and spatial information, amino acid conservation, physicochemical variation, residue mobility, and thermodynamic stability) indicates that this missense variant is not expected to disrupt MSH6 protein function with a negative predictive value of 95%. In summary, the available evidence is currently insufficient to determine the role of this variant in disease. Therefore, it has been classified as a Variant of Uncertain Significance.

Women's Health and Genetics/Laboratory Corporation of America, LabCorp
Classification: Uncertain significance. Last evaluated: 2019-10-03. Review status: criteria provided, single submitter. Criteria: LabCorp Variant Classification Summary - May 2015. Collection method: clinical testing. Allele origin: germline.
Comment: Variant summary: MSH6 c.2108T>C (p.Met703Thr) results in a non-conservative amino acid change in the encoded protein sequence. Five of five in-silico tools predict a damaging effect of the variant on protein function. The variant was absent in 250756 control chromosomes. The available data on variant occurrences in the general population are insufficient to allow any conclusion about variant significance. To our knowledge, no occurrence of c.2108T>C in individuals affected with Lynch Syndrome and no experimental evidence demonstrating its impact on protein function have been reported. Three clinical diagnostic laboratories have submitted clinical-significance assessments for this variant to ClinVar after 2014 without evidence for independent evaluation. All laboratories classified the variant as uncertain significance. Based on the evidence outlined above, the variant was classified as uncertain significance.

GeneDx
Classification: Uncertain significance. Last evaluated: 2016-04-21. Review status: criteria provided, single submitter. Criteria: GeneDx Variant Classification (06012015). Collection method: clinical testing. Allele origin: germline. Affected: yes.
Comment: This variant is denoted MSH6 c.2108T>C at the cDNA level, p.Met703Thr (M703T) at the protein level, and results in the change of a Methionine to a Threonine (ATG>ACG). This variant has not, to our knowledge, been published in the literature as pathogenic or benign. MSH6 Met703Thr was not observed in approximately 6,500 individuals of European and African American ancestry in the NHLBI Exome Sequencing Project, suggesting it is not a common benign variant in these populations. Since Methionine and Threonine differ in polarity, charge, size or other properties, this is considered a non-conservative amino acid substitution. MSH6 Met703Thr occurs at a position that is not conserved and is located within domain II of the MutS domain (Terui 2013). In silico analyses predict that this variant is probably damaging to protein structure and function. Based on currently available evidence, it is unclear whether MSH6 Met703Thr is a pathogenic or benign variant. We consider it to be a variant of uncertain significance.

PreventionGenetics, part of Exact Sciences
Classification: Uncertain significance for MSH6-related condition. Last evaluated: 2024-05-02. Review status: no assertion criteria provided. Collection method: clinical testing. Allele origin: germline. Not counted in ClinVar's aggregate classification.
Comment: The MSH6 c.2108T>C variant is predicted to result in the amino acid substitution p.Met703Thr. To our knowledge, this variant has not been reported in the literature or in gnomAD, indicating this variant is rare. At this time, the clinical significance of this variant is uncertain due to the absence of conclusive functional and genetic evidence.

Department of Pathology and Laboratory Medicine, Sinai Health System
Classification: Uncertain significance for Carcinoma of colon. Review status: no assertion criteria provided. Collection method: clinical testing. Allele origin: unknown. Affected: yes. Study: The Canadian Open Genetics Repository (COGR). Not counted in ClinVar's aggregate classification.
Comment: The p.Met703Thr variant was not identified in the literature, nor was it identified in dbSNP NHLBI Exome Sequencing Project (Exome Variant Server), Exome Aggregation Consortium (ExAC) database, HGMD, Clinvitae database, COSMIC, â€šÃ„ÃºMismatch Repair Genes Variant Databaseâ€šÃ„Ã¹, â€šÃ„ÃºMMR Gene Unclassified Variants Databaseâ€šÃ„Ã¹, InSiGHT Colon Cancer Gene Variant Database, â€šÃ„ÃºZhejiang Colon Cancer Databaseâ€šÃ„Ã¹, the ClinVar database , GeneInsight COGR database, or UMD. The p.Met703 residue is conserved across mammals and other organisms, the exception being chicken, and computational analyses (PolyPhen-2, SIFT, AlignGVGD, BLOSUM, MutationTaster) suggest that the Threonine (Thr) variant may impact the protein. However, this information is not predictive enough to assume pathogenicity. In summary, based on the above information, the clinical significance of this variant cannot be determined with certainty at this time. This variant is classified as a variant of unknown significance (VUS).